The following is an entry in ClinVar:

Conditions:
Breast-ovarian cancer, familial, susceptibility to, 1 (BROVCA1). Also called: BRCA1 Hereditary Breast and Ovarian Cancer; OVARIAN CANCER, SUSCEPTIBILITY TO. Identifiers: Orphanet 145, MedGen C2676676, MONDO:0011450, OMIM 604370. Disease mechanism: loss of function.

Submission:

Brotman Baty Institute, University of Washington
No classification provided (evidence only). Condition: Breast-ovarian cancer, familial 1. Review status: no classification provided. Collection method: in vitro. Allele origin: not applicable. Functional consequence: functionally_normal.
ClinVar note: "not provided" was previously submitted as the classification for the variant. However, the classification appeared to be based only on an observation of functional data so it was converted to no classification on 2025-07-30.

NM_007294.4(BRCA1):c.5277+7C>G

Gene: BRCA1 (BRCA1 DNA repair associated; minus strand). Cytogenetic location: 17q21.31.
Variant type: single nucleotide variant.
Coding change: c.5277+7C>G on transcript NM_007294.4 (MANE Select); 7 bases into the intron after coding-DNA position 5277, C replaced by G.
Molecular consequence: intron variant.
Genome position (GRCh38, 1-based): chr17:43,057,045, G>C on the plus strand (C>G on the coding strand, the complement: BRCA1 is on the minus strand). VCF-style: chr17-43057045-G-C. GRCh37 (hg19) VCF-style: chr17-41209062-G-C.
Other names: c.1824+7C>G (NM_001408458.1, NM_001408461.1, NM_001408464.1 and 7 more transcripts); c.4386+7C>G (NM_001407967.1); c.4896+7C>G (NM_001407959.1); c.5010+7C>G (NM_001407931.1, NM_001407932.1, NM_001407928.1 and 4 more transcripts); c.5133+7C>G (NM_001407747.1, NM_001407745.1, NM_001407737.1 and 21 more transcripts); c.4893+7C>G (NM_001407962.1, NM_001407960.1); c.1464+7C>G (NM_001408512.1); c.1587+7C>G (NM_001408510.1); and 72 more.
Identifiers: ClinVar variation 867925 (VCV000867925.3), dbSNP rs1597810359, ClinGen allele CA916081122.